The following is an entry in ClinVar:

NM_153717.3(EVC):c.301-80G>A

Gene: EVC (EvC ciliary complex subunit 1; plus strand). Cytogenetic location: 4p16.2.
Variant type: single nucleotide variant.
Coding change: c.301-80G>A on transcript NM_153717.3 (MANE Select); 80 bases into the intron before coding-DNA position 301, G replaced by A.
Molecular consequence: intron variant.
Genome position (GRCh38, 1-based): chr4:5,729,227, G>A. VCF-style: chr4-5729227-G-A. GRCh37 (hg19) VCF-style: chr4-5730954-G-A.
Other names: c.301-80G>A (NM_001306090.2, NM_001306092.2).
Identifiers: ClinVar variation 675084 (VCV000675084.4), dbSNP rs2276875, ClinGen allele CA91718278.
Genomic context (GRCh38, chr4:5,729,227, plus strand): 5'-AATATGAATCTAAATGTGCCTATCATGGTCCCTTTCTGAGGCTGCTATTACAAATGGGAT[G>A]TGGCATTTTGGAAAAACTTGACAACTTATCCTTCATTTTACAGAAAGTTTCCCATGCCGT-3'

ClinVar aggregate classification (germline): Benign. Review status: criteria provided, multiple submitters, no conflicts (2 of 4 stars). 3 submissions from 3 submitters: Benign (3). Last evaluated 2021-06-15.

Conditions:
Ellis-van Creveld syndrome (EVC). Also called: EVC-Related Ellis-van Creveld Syndrome; EVC2-Related Ellis-van Creveld Syndrome; Chondroectodermal dysplasia; MESOECTODERMAL DYSPLASIA. Identifiers: Orphanet 289, MedGen C0013903, MONDO:0009162, OMIM 225500.

Allele frequency attached by ClinVar (database versions not stated): 1000 Genomes Project 30x 0.11305; 1000 Genomes Project 0.11801; TOPMed 0.15930; gnomAD 0.17248 and 0.17578; gnomAD exomes 0.22764.
gnomAD v4.1: 286,161 of 1,298,048 alleles (22%); highest among the groups gnomAD compares: Non-Finnish European, 26%; 35,181 homozygotes.

Submissions (3):

Pars Genome Lab
Classification: Benign for Ellis-van Creveld syndrome. Last evaluated: 2021-06-15. Review status: criteria provided, single submitter. Criteria: ACMG Guidelines, 2015. Collection method: clinical testing. Allele origin: germline. Affected: no.

GeneDx
Classification: Benign. Last evaluated: 2018-06-19. Review status: criteria provided, single submitter. Criteria: GeneDx Variant Classification (06012015). Collection method: clinical testing. Allele origin: germline. Affected: yes.
Comment: This variant is considered likely benign or benign based on one or more of the following criteria: it is a conservative change, it occurs at a poorly conserved position in the protein, it is predicted to be benign by multiple in silico algorithms, and/or has population frequency not consistent with disease.

Breakthrough Genomics
Classification: Benign. Review status: criteria provided, single submitter. Criteria: ACMG Guidelines, 2015. Collection method: not provided. Allele origin: germline. Inheritance: Autosomal recessive inheritance. Affected: yes.